The following is an entry in ClinVar:

ClinVar aggregate classification (germline): Uncertain significance (1 of 4 stars; one submission).

gnomAD v4.1: 1 of 1,603,600 alleles (0.000062%); highest among the groups gnomAD compares: Non-Finnish European, 0.000085%; no homozygotes.

Submission:

Labcorp Genetics (formerly Invitae), Labcorp
Classification: Uncertain significance. Last evaluated: 2025-06-19. Review status: criteria provided, single submitter. Criteria: Invitae Variant Classification Sherloc (09022015). Collection method: clinical testing. Allele origin: germline.
Comment: This sequence change replaces serine, which is neutral and polar, with threonine, which is neutral and polar, at codon 86 of the KMT2A protein (p.Ser86Thr). This variant is not present in population databases (gnomAD no frequency). This variant has not been reported in the literature in individuals affected with KMT2A-related conditions. ClinVar contains an entry for this variant (Variation ID: 3634294). Invitae Evidence Modeling of protein sequence and biophysical properties (such as structural, functional, and spatial information, amino acid conservation, physicochemical variation, residue mobility, and thermodynamic stability) has been performed for this missense variant. However, the output from this modeling did not meet the statistical confidence thresholds required to predict the impact of this variant on KMT2A protein function. In summary, the available evidence is currently insufficient to determine the role of this variant in disease. Therefore, it has been classified as a Variant of Uncertain Significance.

NM_001197104.2(KMT2A):c.256T>A (p.Ser86Thr)

Gene: KMT2A (lysine methyltransferase 2A; plus strand). Cytogenetic location: 11q23.3.
Variant type: single nucleotide variant.
Coding change: c.256T>A on transcript NM_001197104.2 (MANE Select); coding-DNA position 256, T replaced by A.
Protein change: p.Ser86Thr; replaces serine 86 with threonine.
Molecular consequence: missense variant.
Genome position (GRCh38, 1-based): chr11:118,436,768, T>A. VCF-style: chr11-118436768-T-A. GRCh37 (hg19) VCF-style: chr11-118307483-T-A.
Other names: c.256T>A, p.Ser86Thr (NM_001412597.1, NM_005933.4); short protein forms S86T.
Identifiers: ClinVar variation 3634294 (VCV003634294.2).